The following is an entry in ClinVar:

NM_025137.4(SPG11):c.4317C>T (p.Thr1439=)

Genes: SPG11 (SPG11 vesicle trafficking associated, spatacsin; minus strand), LOC130056973 (ATAC-STARR-seq lymphoblastoid active region 9341; plus strand). Cytogenetic location: 15q21.1.
Variant type: single nucleotide variant.
Coding change: c.4317C>T on transcript NM_025137.4 (MANE Select); coding-DNA position 4317, C replaced by T.
Protein change: p.Thr1439=; no amino-acid change (threonine 1439 retained).
Molecular consequence: synonymous variant.
Genome position (GRCh38, 1-based): chr15:44,596,200, G>A on the plus strand (C>T on the coding strand, the complement: SPG11 is on the minus strand). VCF-style: chr15-44596200-G-A. GRCh37 (hg19) VCF-style: chr15-44888398-G-A.
Other names: c.4317C>T, p.Thr1439= (NM_001160227.2).
Identifiers: ClinVar variation 757837 (VCV000757837.12), dbSNP rs1408703691, ClinGen allele CA490329866.

ClinVar aggregate classification (germline): Likely benign. Review status: criteria provided, multiple submitters, no conflicts (2 of 4 stars). 4 submissions from 4 submitters: Likely benign (4). Last evaluated 2026-05-31.

Conditions:
SPG11-related disorder. Also called: SPG11-related condition.
Hereditary spastic paraplegia 11. Also called: SPASTIC PARAPLEGIA, AUTOSOMAL RECESSIVE, COMPLICATED, WITH THIN CORPUS CALLOSUM; SPASTIC PARAPLEGIA, AUTOSOMAL RECESSIVE, WITH MENTAL IMPAIRMENT AND THIN CORPUS CALLOSUM; Spastic paraplegia, mental retardation and thin corpus callosum; Nakamura Osame syndrome; Autosomal recessive hereditary spastic paraplegia, mental impairment, and thin corpus callosum; Spastic Paraplegia 11. Identifiers: Orphanet 2822, MedGen C1858479, MONDO:0011445, OMIM 604360.

Allele frequency attached by ClinVar (database versions not stated): gnomAD exomes below 0.00001.
gnomAD v4.1: 7 of 1,614,042 alleles (0.00043%); highest among the groups gnomAD compares: African/African-American, 0.0013%; no homozygotes.

Submissions (4):

PreventionGenetics, part of Exact Sciences
Classification: Likely benign for SPG11-related condition. Last evaluated: 2026-05-31. Review status: criteria provided, single submitter. Criteria: ACMG Guidelines, 2015. Collection method: clinical testing. Allele origin: germline.
Comment: This variant is classified as likely benign based on ACMG/AMP sequence variant interpretation guidelines (Richards et al. 2015 PMID: 25741868, with internal and published modifications).

Athena Diagnostics
Classification: Likely benign. Last evaluated: 2024-07-16. Review status: criteria provided, single submitter. Criteria: Athena Diagnostics Criteria. Collection method: clinical testing. Allele origin: unknown.

Labcorp Genetics (formerly Invitae), Labcorp
Classification: Likely benign for Hereditary spastic paraplegia 11. Last evaluated: 2023-11-21. Review status: criteria provided, single submitter. Criteria: Invitae Variant Classification Sherloc (09022015). Collection method: clinical testing. Allele origin: germline.

Breakthrough Genomics
Classification: Likely benign. Review status: criteria provided, single submitter. Criteria: ACMG Guidelines, 2015. Collection method: not provided. Allele origin: germline. Inheritance: Autosomal recessive inheritance. Affected: yes.